The following is an entry in ClinVar:

NM_031407.7(HUWE1):c.11389A>G (p.Ser3797Gly)

Gene: HUWE1 (HECT, UBA and WWE domain containing E3 ubiquitin protein ligase 1; minus strand). Cytogenetic location: Xp11.22.
Variant type: single nucleotide variant.
Coding change: c.11389A>G on transcript NM_031407.7 (MANE Select); coding-DNA position 11389, A replaced by G.
Protein change: p.Ser3797Gly; replaces serine 3797 with glycine.
Molecular consequence: missense variant.
Genome position (GRCh38, 1-based): chrX:53,542,530, T>C on the plus strand (A>G on the coding strand, the complement: HUWE1 is on the minus strand). VCF-style: chrX-53542530-T-C. GRCh37 (hg19) VCF-style: chrX-53569491-T-C.
Other names: c.11341A>G, p.Ser3781Gly (NM_001441048.1, NM_001441053.1, NM_001441058.1); c.11344A>G, p.Ser3782Gly (NM_001441049.1, NM_001441054.1); c.11365A>G, p.Ser3789Gly (NM_001441050.1, NM_001441055.1); c.11386A>G, p.Ser3796Gly (NM_001441051.1, NM_001441056.1); c.10987A>G, p.Ser3663Gly (NM_001441052.1); c.11389A>G, p.Ser3797Gly (NM_001441057.1); short protein forms S3663G, S3781G, S3782G, S3789G, S3796G, S3797G.
Identifiers: ClinVar variation 4082737 (VCV004082737.1).

ClinVar aggregate classification (germline): Uncertain significance (1 of 4 stars; one submission).

Submission:

GeneDx
Classification: Uncertain significance. Last evaluated: 2025-03-04. Review status: criteria provided, single submitter. Criteria: GeneDx Variant Classification Process June 2021. Collection method: clinical testing. Allele origin: germline. Affected: yes.
Comment: Not observed at significant frequency in large population cohorts (gnomAD); In silico analysis indicates that this missense variant does not alter protein structure/function; Has not been previously published as pathogenic or benign to our knowledge